The following is an entry in ClinVar:

NM_001129.5(AEBP1):c.3465T>C (p.Phe1155=)

Gene: AEBP1 (AE binding protein 1; plus strand). Cytogenetic location: 7p13.
Variant type: single nucleotide variant.
Coding change: c.3465T>C on transcript NM_001129.5 (MANE Select); coding-DNA position 3465, T replaced by C.
Protein change: p.Phe1155=; no amino-acid change (phenylalanine 1155 retained).
Molecular consequence: synonymous variant.
Genome position (GRCh38, 1-based): chr7:44,114,249, T>C. VCF-style: chr7-44114249-T-C. GRCh37 (hg19) VCF-style: chr7-44153848-T-C.
Other names: p.Phe1155=.
Identifiers: ClinVar variation 790040 (VCV000790040.15), dbSNP rs113791881, ClinGen allele CA4238503.

ClinVar aggregate classification (germline): Benign/Likely benign. Review status: criteria provided, multiple submitters, no conflicts (2 of 4 stars). 5 submissions from 5 submitters: Benign (3); Likely benign (2). Last evaluated 2026-04-06.

Allele frequency attached by ClinVar (database versions not stated): gnomAD exomes 0.00165; ExAC 0.00207; gnomAD 0.00580; ESP Exome Variant Server 0.00646; TOPMed 0.00682; 1000 Genomes Project 0.00699; 1000 Genomes Project 30x 0.00796.
gnomAD v4.1: 1,723 of 1,613,698 alleles (0.11%); highest among the groups gnomAD compares: African/African-American, 2%; 12 homozygotes.

Submissions (5):

Women's Health and Genetics/Laboratory Corporation of America, LabCorp
Classification: Benign. Last evaluated: 2026-04-06. Review status: criteria provided, single submitter. Criteria: LabCorp Variant Classification Summary - May 2015. Collection method: clinical testing. Allele origin: germline.

Labcorp Genetics (formerly Invitae), Labcorp
Classification: Benign. Last evaluated: 2026-01-21. Review status: criteria provided, single submitter. Criteria: Invitae Variant Classification Sherloc (09022015). Collection method: clinical testing. Allele origin: germline.

Mayo Clinic Laboratories, Mayo Clinic
Classification: Benign. Last evaluated: 2024-08-14. Review status: criteria provided, single submitter. Criteria: ACMG Guidelines, 2015. Collection method: clinical testing. Allele origin: germline. Observed: 4 variant alleles.
Comment: BS1, BS2, BP4, BP7

GeneDx
Classification: Likely benign. Last evaluated: 2021-05-20. Review status: criteria provided, single submitter. Criteria: GeneDx Variant Classification Process June 2021. Collection method: clinical testing. Allele origin: germline. Affected: yes.

Breakthrough Genomics
Classification: Likely benign. Review status: criteria provided, single submitter. Criteria: ACMG Guidelines, 2015. Collection method: not provided. Allele origin: germline. Inheritance: Autosomal recessive inheritance. Affected: yes.